The following is an entry in ClinVar:

Conditions:
Breast-ovarian cancer, familial, susceptibility to, 1 (BROVCA1). Also called: BRCA1 Hereditary Breast and Ovarian Cancer; OVARIAN CANCER, SUSCEPTIBILITY TO. Identifiers: Orphanet 145, MedGen C2676676, MONDO:0011450, OMIM 604370. Disease mechanism: loss of function.

Submission:

Brotman Baty Institute, University of Washington
No classification provided (evidence only). Condition: Breast-ovarian cancer, familial 1. Review status: no classification provided. Collection method: in vitro. Allele origin: not applicable. Functional consequence: function_uncertain_variant.
ClinVar note: "not provided" was previously submitted as the classification for the variant. However, the classification appeared to be based only on an observation of functional data so it was converted to no classification on 2025-07-30.

NM_007294.4(BRCA1):c.4961T>A (p.Val1654Glu)

Gene: BRCA1 (BRCA1 DNA repair associated; minus strand). Cytogenetic location: 17q21.31.
Variant type: single nucleotide variant.
Coding change: c.4961T>A on transcript NM_007294.4 (MANE Select); coding-DNA position 4961, T replaced by A.
Protein change: p.Val1654Glu; replaces valine 1654 with glutamic acid.
Molecular consequence: missense variant. On other transcripts: non-coding transcript variant (1).
Genome position (GRCh38, 1-based): chr17:43,070,953, A>T on the plus strand (T>A on the coding strand, the complement: BRCA1 is on the minus strand). VCF-style: chr17-43070953-A-T. GRCh37 (hg19) VCF-style: chr17-41222970-A-T.
Other names: c.4748T>A, p.Val1583Glu (NM_001407571.1, NM_001407900.1, NM_001407902.1 and 12 more transcripts); c.5027T>A, p.Val1676Glu (NM_001407581.1, NM_001407582.1); c.5024T>A, p.Val1675Glu (NM_001407583.1, NM_001407585.1, NM_001407587.1 and 1 more transcripts); c.4958T>A, p.Val1653Glu (NM_001407610.1, NM_001407611.1, NM_001407612.1 and 17 more transcripts); c.4955T>A, p.Val1652Glu (NM_001407629.1, NM_001407630.1, NM_001407631.1 and 14 more transcripts); c.4901T>A, p.Val1634Glu (NM_001407649.1); c.4961T>A, p.Val1654Glu (NM_001407652.1, NM_001407593.1, NM_001407594.1 and 8 more transcripts); c.4883T>A, p.Val1628Glu (NM_001407653.1, NM_001407654.1, NM_001407655.1); and 70 more; short protein forms V1654E, V1675E, V1607E, V550E, V1357E, V1541E, V1582E, V1584E.
Identifiers: ClinVar variation 865465 (VCV000865465.3), dbSNP rs1408104448, ClinGen allele CA10591602.
Genomic context (GRCh38, chr17:43,070,953, plus strand): 5'-TTAGTCATTAGGGAGATACATATGGATACACTCACAAATTCTTCTGGGGTCAGGCCAGAC[A>T]CCACCATGGACATTCTTTTGTTGACCCTTTCTGTTGAAGCTGTCAATTCTGGCTTCTCCC-3'
Protein context (NP_009225.1, residues 1644-1664): ERVNKRMSMV[Val1654Glu]SGLTPEEFML